The following is an entry in ClinVar:

NM_021096.4(CACNA1I):c.3596C>T (p.Thr1199Ile)

Gene: CACNA1I (calcium voltage-gated channel subunit alpha1 I; plus strand). Cytogenetic location: 22q13.1.
Variant type: single nucleotide variant.
Coding change: c.3596C>T on transcript NM_021096.4 (MANE Select); coding-DNA position 3596, C replaced by T.
Protein change: p.Thr1199Ile; replaces threonine 1199 with isoleucine.
Molecular consequence: missense variant.
Genome position (GRCh38, 1-based): chr22:39,663,840, C>T. VCF-style: chr22-39663840-C-T. GRCh37 (hg19) VCF-style: chr22-40059845-C-T.
Other names: c.3491C>T, p.Thr1164Ile (NM_001003406.2); short protein forms T1164I, T1199I.
Identifiers: ClinVar variation 4540222 (VCV004540222.1).

ClinVar aggregate classification (germline): Uncertain significance (1 of 4 stars; one submission).

gnomAD v4.1: 4 of 1,613,408 alleles (0.00025%); highest among the groups gnomAD compares: Non-Finnish European, 0.00034%; no homozygotes.

Submission:

GeneDx
Classification: Uncertain significance. Last evaluated: 2025-06-23. Review status: criteria provided, single submitter. Criteria: GeneDx Variant Classification Process June 2021. Collection method: clinical testing. Allele origin: germline. Affected: yes.
Comment: Not observed at significant frequency in large population cohorts (gnomAD); In silico analysis supports that this missense variant has a deleterious effect on protein structure/function; Has not been previously published as pathogenic or benign to our knowledge